The following is an entry in ClinVar:

NM_001375524.1(TRRAP):c.10777C>T (p.Pro3593Ser)

Gene: TRRAP (transformation/transcription domain associated protein; plus strand). Cytogenetic location: 7q22.1.
Variant type: single nucleotide variant.
Coding change: c.10777C>T on transcript NM_001375524.1 (MANE Select); coding-DNA position 10777, C replaced by T.
Protein change: p.Pro3593Ser; replaces proline 3593 with serine.
Molecular consequence: missense variant.
Genome position (GRCh38, 1-based): chr7:99,008,400, C>T. VCF-style: chr7-99008400-C-T. GRCh37 (hg19) VCF-style: chr7-98606023-C-T.
Other names: c.10735C>T, p.Pro3579Ser (NM_001244580.2); c.10648C>T, p.Pro3550Ser (NM_003496.4); short protein forms P3550S, P3579S, P3593S.
Identifiers: ClinVar variation 3360254 (VCV003360254.1).
Genomic context (GRCh38, chr7:99,008,400, plus strand): 5'-CCCTCAGCCTGCCCCGTTTCTCTTCCTCTCTCCCCAGTGCCCCGGGTTGTGGCAGTTTCC[C>T]CACAGATGCGCCTCGTGGAGGACAACCCCTCTTCACTTTCCCTTGTGGAGATCTACAAGC-3'
Protein context (NP_001362453.1, residues 3583-3603): FTVPRVVAVS[Pro3593Ser]QMRLVEDNPS

ClinVar aggregate classification (germline): Uncertain significance (1 of 4 stars; one submission).

Submission:

GeneDx
Classification: Uncertain significance. Last evaluated: 2023-06-23. Review status: criteria provided, single submitter. Criteria: GeneDx Variant Classification Process June 2021. Collection method: clinical testing. Allele origin: germline. Affected: yes.
Comment: Not observed at significant frequency in large population cohorts (gnomAD); In silico analysis supports that this missense variant has a deleterious effect on protein structure/function; Has not been previously published as pathogenic or benign to our knowledge